The following is an entry in ClinVar:

NM_004646.4(NPHS1):c.3177dup (p.Leu1060fs)

Gene: NPHS1 (NPHS1 adhesion molecule, nephrin; minus strand). Cytogenetic location: 19q13.12.
Variant type: Duplication.
Coding change: c.3177dup on transcript NM_004646.4 (MANE Select); coding-DNA position 3177, one base duplicated (G; older notation c.3177dupG).
Protein change: p.Leu1060fs; shifts the reading frame from leucine 1060.
Molecular consequence: frameshift variant.
Genome position (GRCh38, 1-based): chr19:35,831,752, C duplicated on the plus strand (G on the coding strand, the reverse complement: NPHS1 is on the minus strand); the first of 4 consecutive C bases (chr19:35,831,752-35,831,755); duplicating any one gives the same sequence. VCF-style (leftmost placement, unchanged base first): chr19-35831751-G-GC. GRCh37 (hg19) VCF-style: chr19-36322653-G-GC.
Other names: short protein forms L1060fs.
Identifiers: ClinVar variation 1726122 (VCV001726122.2), dbSNP rs2513756697, ClinGen allele CA2580096886.

ClinVar aggregate classification (germline): Likely pathogenic (1 of 4 stars; one submission).

Conditions:
Finnish congenital nephrotic syndrome (NPHS1). Also called: NEPHROTIC SYNDROME, TYPE 1. Identifiers: Orphanet 839, MedGen C0403399, MONDO:0009732, OMIM 256300.

Submission:

Myriad Genetics, Inc.
Classification: Likely pathogenic for Finnish congenital nephrotic syndrome. Last evaluated: 2022-05-18. Review status: criteria provided, single submitter. Criteria: Myriad Women's Health Autosomal Recessive and X-Linked Classification Criteria (2021). Collection method: clinical testing. Allele origin: unknown.
Comment: NM_004646.3(NPHS1):c.3177dupG(L1060Afs*36) is expected to be pathogenic in the context of nephrotic syndrome, NPHS1-related. This variant is predicted to lead to an abnormal or absent protein product due to the creation of a premature termination codon in NPHS1, a gene where loss-of-function variants are known to be pathogenic. Please note: this variant was assessed in the context of healthy population screening.